The following is an entry in ClinVar:

ClinVar aggregate classification (germline): Pathogenic (1 of 4 stars; one submission).

Submission:

Labcorp Genetics (formerly Invitae), Labcorp
Classification: Pathogenic. Last evaluated: 2021-12-08. Review status: criteria provided, single submitter. Criteria: Invitae Variant Classification Sherloc (09022015). Collection method: clinical testing. Allele origin: germline.
Comment: For these reasons, this variant has been classified as Pathogenic. This variant has not been reported in the literature in individuals affected with CEP250-related conditions. This variant is not present in population databases (gnomAD no frequency). This sequence change creates a premature translational stop signal (p.Cys412Phefs*5) in the CEP250 gene. It is expected to result in an absent or disrupted protein product. Loss-of-function variants in CEP250 are known to be pathogenic (PMID: 24780881, 29718797).

Literature cited by the submitters: PubMed 24780881; PubMed 29718797.

NM_007186.6(CEP250):c.1235del (p.Cys412fs)

Genes: CEP250 (centrosomal protein 250; plus strand), CEP250-AS1 (CEP250 antisense RNA 1; minus strand). Cytogenetic location: 20q11.22.
Variant type: Deletion.
Coding change: c.1235del on transcript NM_007186.6 (MANE Select); coding-DNA position 1235, one base deleted (G; older notation c.1235delG).
Protein change: p.Cys412fs; shifts the reading frame from cysteine 412.
Molecular consequence: frameshift variant. On other transcripts: 5 prime UTR variant (1).
Genome position (GRCh38, 1-based): chr20:35,473,399, G deleted. VCF-style (leftmost placement, unchanged base first): chr20-35473398-TG-T. GRCh37 (hg19) VCF-style: chr20-34061223-TG-T.
Other names: c.-665del (NM_001318219.1); short protein forms C412fs.
Identifiers: ClinVar variation 1391338 (VCV001391338.6), dbSNP rs2146792205, ClinGen allele CA2573157016.